The following is an entry in ClinVar:

ClinVar aggregate classification (germline): Uncertain significance (1 of 4 stars; one submission).

Conditions:
Nemaline myopathy 2 (NEM2). Also called: Nemaline myopathy 2, autosomal recessive. Identifiers: MedGen C1850569, MONDO:0009725, OMIM 256030.

Allele frequency attached by ClinVar (database versions not stated): gnomAD exomes below 0.00001.
gnomAD v4.1: 6 of 1,613,086 alleles (0.00037%); highest among the groups gnomAD compares: Non-Finnish European, 0.00042%; no homozygotes.

Submission:

Labcorp Genetics (formerly Invitae), Labcorp
Classification: Uncertain significance for Nemaline myopathy 2. Last evaluated: 2020-09-15. Review status: criteria provided, single submitter. Criteria: Invitae Variant Classification Sherloc (09022015). Collection method: clinical testing. Allele origin: germline.
Comment: This sequence change replaces lysine with glutamic acid at codon 586 of the NEB protein (p.Lys586Glu). The lysine residue is moderately conserved and there is a small physicochemical difference between lysine and glutamic acid. This variant is not present in population databases (ExAC no frequency). This variant has not been reported in the literature in individuals with NEB-related conditions. Algorithms developed to predict the effect of missense changes on protein structure and function are either unavailable or do not agree on the potential impact of this missense change (SIFT: "Deleterious"; PolyPhen-2: "Not Available"; Align-GVGD: "Class C0"). In summary, the available evidence is currently insufficient to determine the role of this variant in disease. Therefore, it has been classified as a Variant of Uncertain Significance.

NM_001164508.2(NEB):c.1756A>G (p.Lys586Glu)

Gene: NEB (nebulin; minus strand). Cytogenetic location: 2q23.3.
Variant type: single nucleotide variant.
Coding change: c.1756A>G on transcript NM_001164508.2 (MANE Select); coding-DNA position 1756, A replaced by G.
Protein change: p.Lys586Glu; replaces lysine 586 with glutamic acid.
Molecular consequence: missense variant.
Genome position (GRCh38, 1-based): chr2:151,694,548, T>C on the plus strand (A>G on the coding strand, the complement: NEB is on the minus strand). VCF-style: chr2-151694548-T-C. GRCh37 (hg19) VCF-style: chr2-152551062-T-C.
Other names: c.1756A>G, p.Lys586Glu (NM_001164507.2, NM_001271208.2, NM_004543.5); short protein forms K586E.
Identifiers: ClinVar variation 1026290 (VCV001026290.6), dbSNP rs1576598655, ClinGen allele CA348824609.